The following is an entry in ClinVar:

ClinVar aggregate classification (germline): Uncertain significance (1 of 4 stars; one submission).

Conditions:
Short-rib thoracic dysplasia 6 with or without polydactyly (SRTD6). Also called: POLYDACTYLY WITH NEONATAL CHONDRODYSTROPHY, TYPE II; Majewski Syndrome; SHORT RIB-POLYDACTYLY SYNDROME, TYPE IIA; SHORT-RIB THORACIC DYSPLASIA 6 WITH POLYDACTYLY; SHORT-RIB THORACIC DYSPLASIA 6 WITHOUT POLYDACTYLY. Identifiers: MedGen C0024507, MONDO:0009894, OMIM 263520.

Submission:

Labcorp Genetics (formerly Invitae), Labcorp
Classification: Uncertain significance for Short-rib thoracic dysplasia 6 with or without polydactyly. Last evaluated: 2025-01-13. Review status: criteria provided, single submitter. Criteria: Invitae Variant Classification Sherloc (09022015). Collection method: clinical testing. Allele origin: germline.
Comment: This sequence change replaces tyrosine, which is neutral and polar, with asparagine, which is neutral and polar, at codon 180 of the NEK1 protein (p.Tyr180Asn). This variant is not present in population databases (gnomAD no frequency). This variant has not been reported in the literature in individuals affected with NEK1-related conditions. Invitae Evidence Modeling of protein sequence and biophysical properties (such as structural, functional, and spatial information, amino acid conservation, physicochemical variation, residue mobility, and thermodynamic stability) indicates that this missense variant is expected to disrupt NEK1 protein function with a positive predictive value of 95%. In summary, the available evidence is currently insufficient to determine the role of this variant in disease. Therefore, it has been classified as a Variant of Uncertain Significance.

NM_001199397.3(NEK1):c.538T>A (p.Tyr180Asn)

Gene: NEK1 (NIMA related kinase 1; minus strand). Cytogenetic location: 4q33.
Variant type: single nucleotide variant.
Coding change: c.538T>A on transcript NM_001199397.3 (MANE Select); coding-DNA position 538, T replaced by A.
Protein change: p.Tyr180Asn; replaces tyrosine 180 with asparagine.
Molecular consequence: missense variant. On other transcripts: non-coding transcript variant (2).
Genome position (GRCh38, 1-based): chr4:169,588,662, A>T on the plus strand (T>A on the coding strand, the complement: NEK1 is on the minus strand). VCF-style: chr4-169588662-A-T. GRCh37 (hg19) VCF-style: chr4-170509813-A-T.
Other names: c.538T>A, p.Tyr180Asn (NM_001199398.3, NM_001199399.3, NM_001199400.3 and 7 more transcripts); short protein forms Y180N.
Identifiers: ClinVar variation 3637044 (VCV003637044.2).